The following is an entry in ClinVar:

ClinVar aggregate classification (germline): Pathogenic/Likely pathogenic. Review status: criteria provided, multiple submitters, no conflicts (2 of 4 stars). 4 submissions from 4 submitters: Pathogenic (1); Likely pathogenic (3). Last evaluated 2025-08-03.

Conditions:
Retinal dystrophy. Also called: Inherited retinal dystrophy. Identifiers: Orphanet 71862, MedGen C0854723, MeSH D058499, MONDO:0019118, HP:0000556.
Retinitis pigmentosa 39 (RP39). Identifiers: Orphanet 791, MedGen C3151138, MONDO:0013436, OMIM 613809.
Usher syndrome type 2A. Also called: RETINAL DISEASE IN USHER SYNDROME TYPE IIA, MODIFIER OF; USHER SYNDROME, TYPE IIA. Identifiers: Orphanet 231178, Orphanet 886, MedGen C1848634, MONDO:0010169, OMIM 276901.

Submissions (4):

Natera, Inc.
Classification: Likely pathogenic for Usher syndrome type 2A. Last evaluated: 2025-08-03. Review status: criteria provided, single submitter. Criteria: Natera Variant Classification Schema (03/2026). Collection method: clinical testing. Allele origin: germline.
Comment: The c.5566G>T variant in USH2A is a nonsense variant predicted to introduce a stop codon at amino acid 1856. This variant is expected to result in nonsense mediated decay, truncation, or a dysfunctional protein product. This variant is rare in the general population with a frequency below the threshold expected for the associated phenotype(s). Given the available evidence, this variant is classified as Likely Pathogenic.

Baylor Genetics
Classification: Likely pathogenic for Retinitis pigmentosa 39. Last evaluated: 2023-11-29. Review status: criteria provided, single submitter. Criteria: ACMG Guidelines, 2015. Collection method: clinical testing. Allele origin: unknown.

Dept Of Ophthalmology, Nagoya University
Classification: Likely pathogenic for Retinal dystrophy. Last evaluated: 2023-10-01. Review status: criteria provided, single submitter. Criteria: Submitter's publication. Collection method: research. Allele origin: germline. Affected: yes.

Labcorp Genetics (formerly Invitae), Labcorp
Classification: Pathogenic. Last evaluated: 2022-08-09. Review status: criteria provided, single submitter. Criteria: Invitae Variant Classification Sherloc (09022015). Collection method: clinical testing. Allele origin: germline.
Comment: This sequence change creates a premature translational stop signal (p.Glu1856*) in the USH2A gene. It is expected to result in an absent or disrupted protein product. Loss-of-function variants in USH2A are known to be pathogenic (PMID: 10729113, 10909849, 20507924, 25649381). This variant is not present in population databases (gnomAD no frequency). This variant has not been reported in the literature in individuals affected with USH2A-related conditions. For these reasons, this variant has been classified as Pathogenic.

Literature cited by the submitters: PubMed 10729113 (cited by Labcorp Genetics (formerly Invitae), Labcorp); PubMed 10909849 (cited by Labcorp Genetics (formerly Invitae), Labcorp); PubMed 20507924 (cited by Labcorp Genetics (formerly Invitae), Labcorp); PubMed 25649381 (cited by Labcorp Genetics (formerly Invitae), Labcorp).

NM_206933.4(USH2A):c.5566G>T (p.Glu1856Ter)

Genes: USH2A (usherin; minus strand), USH2A-AS2 (USH2A antisense RNA 2; plus strand). Cytogenetic location: 1q41.
Variant type: single nucleotide variant.
Coding change: c.5566G>T on transcript NM_206933.4 (MANE Select); coding-DNA position 5566, G replaced by T.
Protein change: p.Glu1856Ter; replaces glutamic acid 1856 with a stop codon.
Molecular consequence: nonsense.
Genome position (GRCh38, 1-based): chr1:216,078,095, C>A on the plus strand (G>T on the coding strand, the complement: USH2A is on the minus strand). VCF-style: chr1-216078095-C-A. GRCh37 (hg19) VCF-style: chr1-216251437-C-A.
Other names: c.5566G>T (NM_206933.2); short protein forms E1856*.
Identifiers: ClinVar variation 2042611 (VCV002042611.8), dbSNP rs2527791916, ClinGen allele CA344855572.